The following is an entry in ClinVar:

ClinVar aggregate classification (germline): Likely pathogenic (1 of 4 stars; one submission).

Submission:

Mayo Clinic Laboratories, Mayo Clinic
Classification: Likely pathogenic. Last evaluated: 2024-03-29. Review status: criteria provided, single submitter. Criteria: ACMG Guidelines, 2015. Collection method: clinical testing. Allele origin: germline. Observed: 1 variant allele.
Comment: PM2_moderate, PVS1

NM_001385012.1(NBEA):c.4242+2T>A

Gene: NBEA (neurobeachin; plus strand). Cytogenetic location: 13q13.3.
Variant type: single nucleotide variant.
Coding change: c.4242+2T>A on transcript NM_001385012.1 (MANE Select); the canonical splice donor site of the intron after coding-DNA position 4242, T replaced by A.
Molecular consequence: splice donor variant. On other transcripts: intron variant (1).
Genome position (GRCh38, 1-based): chr13:35,168,997, T>A. VCF-style: chr13-35168997-T-A. GRCh37 (hg19) VCF-style: chr13-35743134-T-A.
Other names: p.?; c.4242+2T>A (NM_015678.5); c.4234-2275T>A (NM_001379245.1).
Identifiers: ClinVar variation 3381096 (VCV003381096.1).